The following is an entry in ClinVar:

ClinVar aggregate classification (germline): Likely benign (1 of 4 stars; one submission).

Allele frequency attached by ClinVar (database versions not stated): 1000 Genomes Project 30x 0.00094; 1000 Genomes Project 0.00100; gnomAD exomes 0.00122; ESP Exome Variant Server 0.00138; ExAC 0.00141.
gnomAD v4.1: 1,953 of 1,614,154 alleles (0.12%); highest among the groups gnomAD compares: Non-Finnish European, 0.14%; 6 homozygotes.

Submission:

CeGaT Center for Human Genetics Tuebingen
Classification: Likely benign. Last evaluated: 2023-01-01. Review status: criteria provided, single submitter. Criteria: CeGaT Center For Human Genetics Tuebingen Variant Classification Criteria Version 2. Collection method: clinical testing. Allele origin: germline. Affected: yes. Observed: 1 variant allele.
Comment: LRRC4C: BP4, BP7

NM_001258419.2(LRRC4C):c.1680C>T (p.His560=)

Gene: LRRC4C (leucine rich repeat containing 4C; minus strand). Cytogenetic location: 11p12.
Variant type: single nucleotide variant.
Coding change: c.1680C>T on transcript NM_001258419.2 (MANE Select); coding-DNA position 1680, C replaced by T.
Protein change: p.His560=; no amino-acid change (histidine 560 retained).
Molecular consequence: synonymous variant. On other transcripts: non-coding transcript variant (2).
Genome position (GRCh38, 1-based): chr11:40,114,613, G>A on the plus strand (C>T on the coding strand, the complement: LRRC4C is on the minus strand). VCF-style: chr11-40114613-G-A. GRCh37 (hg19) VCF-style: chr11-40136163-G-A.
Other names: c.1680C>T, p.His560= (NM_020929.3).
Identifiers: ClinVar variation 2641728 (VCV002641728.24), dbSNP rs142620688, ClinGen allele CA5950892.